The following is an entry in ClinVar:

ClinVar aggregate classification (germline): Uncertain significance. Review status: criteria provided, multiple submitters, no conflicts (2 of 4 stars). 2 submissions from 2 submitters: Uncertain significance (2). Last evaluated 2024-03-11.

Conditions:
RASopathy. Also called: rasopathies; Noonan spectrum disorder. Identifiers: Orphanet 536391, MedGen C5555857, MONDO:0021060.

Allele frequency attached by ClinVar (database versions not stated): gnomAD exomes 0.00001; TOPMed 0.00001; ESP Exome Variant Server 0.00008.
gnomAD v4.1: 5 of 1,613,856 alleles (0.00031%); highest among the groups gnomAD compares: South Asian, 0.0011%; no homozygotes.

Submissions (2):

Labcorp Genetics (formerly Invitae), Labcorp
Classification: Uncertain significance for RASopathy. Last evaluated: 2024-03-11. Review status: criteria provided, single submitter. Criteria: Invitae Variant Classification Sherloc (09022015). Collection method: clinical testing. Allele origin: germline.
Comment: This sequence change replaces asparagine, which is neutral and polar, with serine, which is neutral and polar, at codon 485 of the SOS1 protein (p.Asn485Ser). This variant is not present in population databases (gnomAD no frequency). This variant has not been reported in the literature in individuals affected with SOS1-related conditions. ClinVar contains an entry for this variant (Variation ID: 632997). Advanced modeling of protein sequence and biophysical properties (such as structural, functional, and spatial information, amino acid conservation, physicochemical variation, residue mobility, and thermodynamic stability) performed at Invitae indicates that this missense variant is not expected to disrupt SOS1 protein function with a negative predictive value of 95%. This variant disrupts the p.Asn485 amino acid residue in SOS1. Other variant(s) that disrupt this residue have been determined to be pathogenic (Invitae). This suggests that this residue is clinically significant, and that variants that disrupt this residue are likely to be disease-causing. In summary, the available evidence is currently insufficient to determine the role of this variant in disease. Therefore, it has been classified as a Variant of Uncertain Significance.

Women's Health and Genetics/Laboratory Corporation of America, LabCorp
Classification: Uncertain significance. Last evaluated: 2018-04-23. Review status: criteria provided, single submitter. Criteria: LabCorp Variant Classification Summary - May 2015. Collection method: clinical testing. Allele origin: germline.
Comment: Variant summary: SOS1 c.1454A>G (p.Asn485Ser) results in a conservative amino acid change located in the Pleckstrin homology domain (IPR001849) of the encoded protein sequence. Four of five in-silico tools predict a benign effect of the variant on protein function. The variant was absent in 245796 control chromosomes (gnomAD). The available data on variant occurrences in the general population are insufficient to allow any conclusion about variant significance. To our knowledge, no occurrence of c.1454A>G in individuals affected with Noonan Syndrome and Related Conditions and no experimental evidence demonstrating its impact on protein function have been reported. No clinical diagnostic laboratories have submitted clinical-significance assessments for this variant to ClinVar after 2014. Based on the evidence outlined above, the variant was classified as uncertain significance.

NM_005633.4(SOS1):c.1454A>G (p.Asn485Ser)

Gene: SOS1 (SOS Ras/Rac guanine nucleotide exchange factor 1; minus strand). Cytogenetic location: 2p22.1.
Variant type: single nucleotide variant.
Coding change: c.1454A>G on transcript NM_005633.4 (MANE Select); coding-DNA position 1454, A replaced by G.
Protein change: p.Asn485Ser; replaces asparagine 485 with serine.
Molecular consequence: missense variant.
Genome position (GRCh38, 1-based): chr2:39,022,974, T>C on the plus strand (A>G on the coding strand, the complement: SOS1 is on the minus strand). VCF-style: chr2-39022974-T-C. GRCh37 (hg19) VCF-style: chr2-39250115-T-C.
Other names: c.1433A>G, p.Asn478Ser (NM_001382394.1); c.1454A>G, p.Asn485Ser (NM_001382395.1); short protein forms N485S, N478S.
Identifiers: ClinVar variation 632997 (VCV000632997.4), dbSNP rs140671910, ClinGen allele CA45674752.